The following is an entry in ClinVar:

NM_019032.6(ADAMTSL4):c.3211del (p.Gln1071fs)

Gene: ADAMTSL4 (ADAMTS like 4; plus strand). Cytogenetic location: 1q21.2.
Variant type: Deletion.
Coding change: c.3211del on transcript NM_019032.6 (MANE Select); coding-DNA position 3211, one base deleted (C; older notation c.3211delC).
Protein change: p.Gln1071fs; shifts the reading frame from glutamine 1071.
Molecular consequence: frameshift variant.
Genome position (GRCh38, 1-based): chr1:150,560,182, C deleted; the last of 4 consecutive C bases (chr1:150,560,179-150,560,182); deleting any one gives the same sequence. VCF-style (leftmost placement, unchanged base first): chr1-150560178-TC-T. GRCh37 (hg19) VCF-style: chr1-150532654-TC-T.
Other names: c.3094del, p.Gln1032fs (NM_001288607.2); c.3280del, p.Gln1094fs (NM_001288608.2); c.3211del, p.Gln1071fs (NM_001378596.1); short protein forms Q1032fs, Q1094fs, Q1071fs.
Identifiers: ClinVar variation 1379798 (VCV001379798.3), dbSNP rs765311101, ClinGen allele CA1078991.

ClinVar aggregate classification (germline): Uncertain significance (1 of 4 stars; one submission).

Submission:

Labcorp Genetics (formerly Invitae), Labcorp
Classification: Uncertain significance. Last evaluated: 2022-10-04. Review status: criteria provided, single submitter. Criteria: Invitae Variant Classification Sherloc (09022015). Collection method: clinical testing. Allele origin: germline.
Comment: This sequence change results in a frameshift in the ADAMTSL4 gene (p.Gln1071Argfs*45). While this is not anticipated to result in nonsense mediated decay, it is expected to disrupt the last 4 amino acid(s) of the ADAMTSL4 protein and extend the protein by 40 additional amino acid residues. This variant is present in population databases (rs765311101, gnomAD 0.01%). This variant has not been reported in the literature in individuals affected with ADAMTSL4-related conditions. ClinVar contains an entry for this variant (Variation ID: 1379798). Experimental studies and prediction algorithms are not available or were not evaluated, and the functional significance of this variant is currently unknown. In summary, the available evidence is currently insufficient to determine the role of this variant in disease. Therefore, it has been classified as a Variant of Uncertain Significance.